The following is an entry in ClinVar:

ClinVar aggregate classification (germline): Uncertain significance. Review status: criteria provided, multiple submitters, no conflicts (2 of 4 stars). 2 submissions from 2 submitters: Uncertain significance (2). Last evaluated 2024-10-04.

Conditions:
Myofibrillar myopathy 5. Also called: Filaminopathy (type); FILAMINOPATHY, AUTOSOMAL DOMINANT. Identifiers: Orphanet 171445, MedGen C1836050, MONDO:0012289, OMIM 609524.
Distal myopathy with posterior leg and anterior hand involvement. Also called: WILLIAMS DISTAL MYOPATHY. Identifiers: Orphanet 63273, MedGen C3279722, MONDO:0013550, OMIM 614065.
Hypertrophic cardiomyopathy 26. Also called: Cardiomyopathy, familial hypertrophic, 26. Identifiers: Orphanet 75249, MedGen C4310749, MONDO:0014883, OMIM 617047.
Hypertrophic cardiomyopathy. Also called: HYPERTROPHIC MYOCARDIOPATHY. Identifiers: Orphanet 217569, MedGen C0007194, MeSH D002312, MONDO:0005045, HP:0001639.

Allele frequency attached by ClinVar (database versions not stated): gnomAD exomes 0.00001.
gnomAD v4.1: 6 of 1,612,530 alleles (0.00037%); highest among the groups gnomAD compares: Non-Finnish European, 0.00051%; no homozygotes.

Submissions (2):

Labcorp Genetics (formerly Invitae), Labcorp
Classification: Uncertain significance for Distal myopathy with posterior leg and anterior hand involvement; Myofibrillar myopathy 5; Hypertrophic cardiomyopathy 26. Last evaluated: 2024-10-04. Review status: criteria provided, single submitter. Criteria: Invitae Variant Classification Sherloc (09022015). Collection method: clinical testing. Allele origin: germline.
Comment: This sequence change replaces lysine, which is basic and polar, with arginine, which is basic and polar, at codon 2316 of the FLNC protein (p.Lys2316Arg). This variant is not present in population databases (gnomAD no frequency). This missense change has been observed in individual(s) with hypertrophic cardiomyopathy (PMID: 31513939). ClinVar contains an entry for this variant (Variation ID: 619272). Invitae Evidence Modeling of protein sequence and biophysical properties (such as structural, functional, and spatial information, amino acid conservation, physicochemical variation, residue mobility, and thermodynamic stability) indicates that this missense variant is not expected to disrupt FLNC protein function with a negative predictive value of 95%. In summary, the available evidence is currently insufficient to determine the role of this variant in disease. Therefore, it has been classified as a Variant of Uncertain Significance.

Center for Human Genetics, University of Leuven
Classification: Uncertain significance for Hypertrophic cardiomyopathy. Last evaluated: 2018-10-31. Review status: criteria provided, single submitter. Criteria: ACMG Guidelines, 2015. Collection method: clinical testing. Allele origin: germline. Affected: yes.

Literature cited by the submitters: PubMed 31513939 (cited by Labcorp Genetics (formerly Invitae), Labcorp).

NM_001458.5(FLNC):c.6947A>G (p.Lys2316Arg)

Genes: FLNC (filamin C; plus strand), FLNC-AS1 (FLNC antisense RNA 1; minus strand). Cytogenetic location: 7q32.1.
Variant type: single nucleotide variant.
Coding change: c.6947A>G on transcript NM_001458.5 (MANE Select); coding-DNA position 6947, A replaced by G.
Protein change: p.Lys2316Arg; replaces lysine 2316 with arginine.
Molecular consequence: missense variant.
Genome position (GRCh38, 1-based): chr7:128,854,632, A>G. VCF-style: chr7-128854632-A-G. GRCh37 (hg19) VCF-style: chr7-128494686-A-G.
Other names: c.6848A>G, p.Lys2283Arg (NM_001127487.2); short protein forms K2316R, K2283R.
Identifiers: ClinVar variation 619272 (VCV000619272.4), dbSNP rs1563003855, ClinGen allele CA369214286.